The following is an entry in ClinVar:

ClinVar aggregate classification (germline): Uncertain significance (1 of 4 stars; one submission).

Submission:

GeneDx
Classification: Uncertain significance. Last evaluated: 2023-06-28. Review status: criteria provided, single submitter. Criteria: GeneDx Variant Classification Process June 2021. Collection method: clinical testing. Allele origin: germline. Affected: yes.
Comment: Not observed at significant frequency in large population cohorts (gnomAD); In silico analysis supports that this variant does not alter protein structure/function; Has not been previously published as pathogenic or benign to our knowledge

NM_000744.7(CHRNA4):c.1657_1659delinsTCA (p.Ala553Ser)

Gene: CHRNA4 (cholinergic receptor nicotinic alpha 4 subunit; minus strand). Cytogenetic location: 20q13.33.
Variant type: Indel.
Coding change: c.1657_1659delinsTCA on transcript NM_000744.7 (MANE Select); coding-DNA positions 1657 to 1659, GCG replaced by TCA.
Protein change: p.Ala553Ser; replaces alanine 553 with serine.
Molecular consequence: missense variant. On other transcripts: non-coding transcript variant (1).
Genome position (GRCh38, 1-based): chr20:63,349,752-63,349,754, CGC replaced by TGA on the plus strand (GCG replaced by TCA on the coding strand, the reverse complement: CHRNA4 is on the minus strand). VCF-style: chr20-63349752-CGC-TGA. GRCh37 (hg19) VCF-style: chr20-61981104-CGC-TGA.
Other names: c.1129_1131delinsTCA, p.Ala377Ser (NM_001256573.2); short protein forms A377S, A553S.
Identifiers: ClinVar variation 3360614 (VCV003360614.1).